The following is an entry in ClinVar:

NM_006031.6(PCNT):c.8679G>C (p.Arg2893Ser)

Gene: PCNT (pericentrin; plus strand). Cytogenetic location: 21q22.3.
Variant type: single nucleotide variant.
Coding change: c.8679G>C on transcript NM_006031.6 (MANE Select); coding-DNA position 8679, G replaced by C.
Protein change: p.Arg2893Ser; replaces arginine 2893 with serine.
Molecular consequence: missense variant. On other transcripts: intron variant (1).
Genome position (GRCh38, 1-based): chr21:46,432,143, G>C. VCF-style: chr21-46432143-G-C. GRCh37 (hg19) VCF-style: chr21-47852057-G-C.
Other names: c.8160+165G>C (NM_001315529.2); short protein forms R2893S.
Identifiers: ClinVar variation 1514902 (VCV001514902.4), dbSNP rs748806254, ClinGen allele CA10081024.

ClinVar aggregate classification (germline): Uncertain significance (1 of 4 stars; one submission).

Allele frequency attached by ClinVar (database versions not stated): gnomAD exomes below 0.00001 and 0.00001; TOPMed below 0.00001; ExAC 0.00001.
gnomAD v4.1: 5 of 1,613,946 alleles (0.00031%); highest among the groups gnomAD compares: Admixed American, 0.0033%; no homozygotes.

Submission:

Labcorp Genetics (formerly Invitae), Labcorp
Classification: Uncertain significance. Last evaluated: 2021-10-09. Review status: criteria provided, single submitter. Criteria: Invitae Variant Classification Sherloc (09022015). Collection method: clinical testing. Allele origin: germline.
Comment: In summary, the available evidence is currently insufficient to determine the role of this variant in disease. Therefore, it has been classified as a Variant of Uncertain Significance. Algorithms developed to predict the effect of missense changes on protein structure and function output the following: SIFT: "Deleterious"; PolyPhen-2: "Possibly Damaging"; Align-GVGD: "Class C0". The serine amino acid residue is found in multiple mammalian species, which suggests that this missense change does not adversely affect protein function. This variant has not been reported in the literature in individuals affected with PCNT-related conditions. This variant is present in population databases (rs748806254, ExAC 0.002%). This sequence change replaces arginine with serine at codon 2893 of the PCNT protein (p.Arg2893Ser). The arginine residue is weakly conserved and there is a moderate physicochemical difference between arginine and serine.